The following is an entry in ClinVar:

ClinVar aggregate classification (germline): Conflicting classifications of pathogenicity. Review status: criteria provided, conflicting classifications (1 of 4 stars). 8 submissions from 8 submitters: Uncertain significance (7); Likely benign (1). Last evaluated 2026-06-03.

Conditions:
SMARCA4-related disorder. Also called: SMARCA4-related condition.
Rhabdoid tumor predisposition syndrome 2 (RTPS2). Identifiers: Orphanet 231108, Orphanet 69077, MedGen C2750074, MONDO:0013224, OMIM 613325.
Intellectual disability, autosomal dominant 16 (CSS4). Also called: COFFIN-SIRIS SYNDROME 4. Identifiers: Orphanet 1465, MedGen C3553249, MONDO:0013821, OMIM 614609.
Hereditary cancer-predisposing syndrome. Also called: Neoplastic Syndromes, Hereditary; Hereditary neoplastic syndrome; Hereditary Cancer Syndrome; Tumor predisposition. Identifiers: Orphanet 140162, MedGen C0027672, MeSH D009386, MONDO:0015356.

Allele frequency attached by ClinVar (database versions not stated): gnomAD exomes 0.00002 and 0.00004; TOPMed 0.00002; gnomAD 0.00004; ExAC 0.00005; ESP Exome Variant Server 0.00008.
gnomAD v4.1: 35 of 1,607,814 alleles (0.0022%); highest among the groups gnomAD compares: East Asian, 0.031%; no homozygotes.

Submissions (8):

PreventionGenetics, part of Exact Sciences
Classification: Uncertain significance for SMARCA4-related condition. Last evaluated: 2026-06-03. Review status: criteria provided, single submitter. Criteria: ACMG Guidelines, 2015. Collection method: clinical testing. Allele origin: germline.
Comment: The SMARCA4 c.1018G>A variant is predicted to result in the amino acid substitution p.Ala340Thr. To our knowledge, this variant has not been reported in the literature. This variant is reported in 0.029% of alleles in individuals of East Asian descent in gnomAD and interpreted as a variant of uncertain significance and likely benign in ClinVar (Variation ID:238356). Although we suspect that this variant may be benign, the clinical significance of this variant is classified as uncertain at this time due to insufficient functional and genetic evidence.

Labcorp Genetics (formerly Invitae), Labcorp
Classification: Uncertain significance for Rhabdoid tumor predisposition syndrome 2. Last evaluated: 2025-01-30. Review status: criteria provided, single submitter. Criteria: Invitae Variant Classification Sherloc (09022015). Collection method: clinical testing. Allele origin: germline.
Comment: This sequence change replaces alanine, which is neutral and non-polar, with threonine, which is neutral and polar, at codon 340 of the SMARCA4 protein (p.Ala340Thr). This variant is present in population databases (rs371214327, gnomAD 0.03%). This variant has not been reported in the literature in individuals affected with SMARCA4-related conditions. ClinVar contains an entry for this variant (Variation ID: 238356). Invitae Evidence Modeling of protein sequence and biophysical properties (such as structural, functional, and spatial information, amino acid conservation, physicochemical variation, residue mobility, and thermodynamic stability) indicates that this missense variant is not expected to disrupt SMARCA4 protein function with a negative predictive value of 95%. In summary, the available evidence is currently insufficient to determine the role of this variant in disease. Therefore, it has been classified as a Variant of Uncertain Significance.

Baylor Genetics
Classification: Uncertain significance for Rhabdoid tumor predisposition syndrome 2. Last evaluated: 2024-02-13. Review status: criteria provided, single submitter. Criteria: ACMG Guidelines, 2015. Collection method: clinical testing. Allele origin: unknown.

Quest Diagnostics Nichols Institute San Juan Capistrano
Classification: Uncertain significance. Last evaluated: 2023-09-27. Review status: criteria provided, single submitter. Criteria: Quest Diagnostics criteria. Collection method: clinical testing. Allele origin: unknown.

GeneDx
Classification: Uncertain significance. Last evaluated: 2023-04-02. Review status: criteria provided, single submitter. Criteria: GeneDx Variant Classification Process June 2021. Collection method: clinical testing. Allele origin: germline. Affected: yes.
Comment: In silico analysis supports that this missense variant does not alter protein structure/function; Has not been previously published as pathogenic or benign to our knowledge

Genome-Nilou Lab
Classification: Uncertain significance for Intellectual disability, autosomal dominant 16. Last evaluated: 2021-07-15. Review status: criteria provided, single submitter. Criteria: ACMG Guidelines, 2015. Collection method: clinical testing. Allele origin: germline. Affected: no.

Ambry Genetics
Classification: Likely benign for Hereditary cancer-predisposing syndrome. Last evaluated: 2021-01-14. Review status: criteria provided, single submitter. Criteria: Ambry Variant Classification Scheme 2023. Collection method: clinical testing. Allele origin: germline.

Fulgent Genetics
Classification: Uncertain significance for Rhabdoid tumor predisposition syndrome 2; Intellectual disability, autosomal dominant 16. Last evaluated: 2018-10-31. Review status: criteria provided, single submitter. Criteria: ACMG Guidelines, 2015. Collection method: clinical testing. Allele origin: unknown.

NM_003072.5(SMARCA4):c.1018G>A (p.Ala340Thr)

Gene: SMARCA4 (SWI/SNF related BAF chromatin remodeling complex subunit ATPase 4; plus strand). Cytogenetic location: 19p13.2.
Variant type: single nucleotide variant.
Coding change: c.1018G>A on transcript NM_003072.5 (MANE Select); coding-DNA position 1018, G replaced by A.
Protein change: p.Ala340Thr; replaces alanine 340 with threonine.
Molecular consequence: missense variant. On other transcripts: non-coding transcript variant (1).
Genome position (GRCh38, 1-based): chr19:10,987,824, G>A. VCF-style: chr19-10987824-G-A. GRCh37 (hg19) VCF-style: chr19-11098500-G-A.
Other names: c.1018G>A, p.Ala340Thr (NM_001128844.3, NM_001128845.2, NM_001128846.2 and 5 more transcripts); short protein forms A340T.
Identifiers: ClinVar variation 238356 (VCV000238356.21), dbSNP rs371214327, ClinGen allele CA9203657.